The following is an entry in ClinVar:

NM_002641.4(PIGA):c.384T>C (p.His128=)

Gene: PIGA (phosphatidylinositol glycan anchor biosynthesis class A; minus strand). Cytogenetic location: Xp22.2.
Variant type: single nucleotide variant.
Coding change: c.384T>C on transcript NM_002641.4 (MANE Select); coding-DNA position 384, T replaced by C.
Protein change: p.His128=; no amino-acid change (histidine 128 retained).
Molecular consequence: synonymous variant. On other transcripts: intron variant (1).
Genome position (GRCh38, 1-based): chrX:15,331,547, A>G on the plus strand (T>C on the coding strand, the complement: PIGA is on the minus strand). VCF-style: chrX-15331547-A-G. GRCh37 (hg19) VCF-style: chrX-15349669-A-G.
Other names: c.13+3954T>C (NM_020473.3).
Identifiers: ClinVar variation 750136 (VCV000750136.32), dbSNP rs750216116, ClinGen allele CA10354163.

ClinVar aggregate classification (germline): Benign/Likely benign. Review status: criteria provided, multiple submitters, no conflicts (2 of 4 stars). 2 submissions from 2 submitters: Benign (1); Likely benign (1). Last evaluated 2025-03-27.

Conditions:
Multiple congenital anomalies-hypotonia-seizures syndrome 2 (MCAHS2). Also called: GLYCOSYLPHOSPHATIDYLINOSITOL BIOSYNTHESIS DEFECT 4; EPILEPTIC ENCEPHALOPATHY, EARLY INFANTILE, 20. Identifiers: Orphanet 300496, MedGen C3275508, MONDO:0010466, OMIM 300868.

Allele frequency attached by ClinVar (database versions not stated): gnomAD exomes 0.00003 and 0.00007; ExAC 0.00007.

Submissions (2):

Labcorp Genetics (formerly Invitae), Labcorp
Classification: Benign for Multiple congenital anomalies-hypotonia-seizures syndrome 2. Last evaluated: 2025-03-27. Review status: criteria provided, single submitter. Criteria: Invitae Variant Classification Sherloc (09022015). Collection method: clinical testing. Allele origin: germline.

CeGaT Center for Human Genetics Tuebingen
Classification: Likely benign. Last evaluated: 2023-04-01. Review status: criteria provided, single submitter. Criteria: CeGaT Center For Human Genetics Tuebingen Variant Classification Criteria Version 2. Collection method: clinical testing. Allele origin: germline. Affected: yes. Observed: 1 variant allele.
Comment: PIGA: BP4, BP7, BS2